The following is an entry in ClinVar:

NM_001378120.1(MBD5):c.4737T>C (p.Asn1579=)

Gene: MBD5 (methyl-CpG binding domain protein 5; plus strand). Cytogenetic location: 2q23.1.
Variant type: single nucleotide variant.
Coding change: c.4737T>C on transcript NM_001378120.1 (MANE Select); coding-DNA position 4737, T replaced by C.
Protein change: p.Asn1579=; no amino-acid change (asparagine 1579 retained).
Molecular consequence: synonymous variant.
Genome position (GRCh38, 1-based): chr2:148,490,369, T>C. VCF-style: chr2-148490369-T-C. GRCh37 (hg19) VCF-style: chr2-149247938-T-C.
Other names: c.4038T>C, p.Asn1346= (NM_018328.5).
Identifiers: ClinVar variation 331346 (VCV000331346.16), dbSNP rs147744781, ClinGen allele CA1900461.

ClinVar aggregate classification (germline): Likely benign. Review status: criteria provided, multiple submitters, no conflicts (2 of 4 stars). 4 submissions from 4 submitters: Likely benign (4). Last evaluated 2025-12-13.

Conditions:
Inborn genetic diseases. Identifiers: MedGen C0950123, MeSH D030342.
Intellectual developmental disorder, autosomal dominant 1. Also called: Intellectual disability, autosomal dominant 1; MBD5 Haploinsufficiency. Identifiers: Orphanet 228402, MedGen C1969562, MONDO:0007974, OMIM 156200.

Allele frequency attached by ClinVar (database versions not stated): ExAC 0.00001; 1000 Genomes Project 30x 0.00016; TOPMed 0.00002; 1000 Genomes Project 0.00020; gnomAD 0.00001; gnomAD exomes 0.00001.
gnomAD v4.1: 29 of 1,614,188 alleles (0.0018%); highest among the groups gnomAD compares: African/African-American, 0.017%; no homozygotes.

Submissions (4):

Labcorp Genetics (formerly Invitae), Labcorp
Classification: Likely benign for Intellectual developmental disorder, autosomal dominant 1. Last evaluated: 2025-12-13. Review status: criteria provided, single submitter. Criteria: Invitae Variant Classification Sherloc (09022015). Collection method: clinical testing. Allele origin: germline.

Blueprint Genetics
Classification: Likely benign. Last evaluated: 2024-08-12. Review status: criteria provided, single submitter. Criteria: ACMG Guidelines, 2015. Collection method: clinical testing. Allele origin: germline.

GeneDx
Classification: Likely benign. Last evaluated: 2017-07-20. Review status: criteria provided, single submitter. Criteria: GeneDx Variant Classification (06012015). Collection method: clinical testing. Allele origin: germline. Affected: yes.
Comment: This variant is considered likely benign or benign based on one or more of the following criteria: it is a conservative change, it occurs at a poorly conserved position in the protein, it is predicted to be benign by multiple in silico algorithms, and/or has population frequency not consistent with disease.

Ambry Genetics
Classification: Likely benign for Inborn genetic diseases. Last evaluated: 2016-07-21. Review status: criteria provided, single submitter. Criteria: Ambry Variant Classification Scheme 2023. Collection method: clinical testing. Allele origin: germline.